The following is an entry in ClinVar:

NM_003052.5(SLC34A1):c.303G>A (p.Leu101=)

Gene: SLC34A1 (solute carrier family 34 member 1; plus strand). Cytogenetic location: 5q35.3.
Variant type: single nucleotide variant.
Coding change: c.303G>A on transcript NM_003052.5 (MANE Select); coding-DNA position 303, G replaced by A.
Protein change: p.Leu101=; no amino-acid change (leucine 101 retained).
Molecular consequence: synonymous variant.
Genome position (GRCh38, 1-based): chr5:177,386,264, G>A. VCF-style: chr5-177386264-G-A. GRCh37 (hg19) VCF-style: chr5-176813265-G-A.
Other names: c.303G>A, p.Leu101= (NM_001167579.2); c.303G>A (NM_003052.4).
Identifiers: ClinVar variation 64493 (VCV000064493.6), dbSNP rs200493624, ClinGen allele CA025505.

ClinVar aggregate classification (germline): Likely benign. Review status: criteria provided, multiple submitters, no conflicts (2 of 4 stars). 3 submissions from 3 submitters: Likely benign (2). 1 of the submissions does not count toward it. Last evaluated 2025-04-06.

Conditions:
SLC34A1-related disorder. Also called: SLC34A1-related disorders; SLC34A1-related condition.

Allele frequency attached by ClinVar (database versions not stated): TOPMed 0.00001; ExAC 0.00003; gnomAD exomes 0.00003 and 0.00004.
gnomAD v4.1: 42 of 1,614,226 alleles (0.0026%); highest among the groups gnomAD compares: Admixed American, 0.0033%; no homozygotes.

Submissions (3):

PreventionGenetics, part of Exact Sciences
Classification: Likely benign for SLC34A1-related condition. Last evaluated: 2025-04-06. Review status: criteria provided, single submitter. Criteria: ACMG Guidelines, 2015. Collection method: clinical testing. Allele origin: germline.
Comment: This variant is classified as likely benign based on ACMG/AMP sequence variant interpretation guidelines (Richards et al. 2015 PMID: 25741868, with internal and published modifications).

Labcorp Genetics (formerly Invitae), Labcorp
Classification: Likely benign. Last evaluated: 2024-10-09. Review status: criteria provided, single submitter. Criteria: Invitae Variant Classification Sherloc (09022015). Collection method: clinical testing. Allele origin: germline.

Martin Pollak Laboratory,  Beth Israel Deaconess Medical Center
Classification: Uncertain significance. Review status: no assertion criteria provided. Collection method: not provided. Allele origin: unknown. Not counted in ClinVar's aggregate classification.
Comment: Lower UCa2+ group
ClinVar note: Converted during submission from unknown to Uncertain significance.